The following is an entry in ClinVar:

ClinVar aggregate classification (germline): Conflicting classifications of pathogenicity. Review status: criteria provided, conflicting classifications (1 of 4 stars). 4 submissions from 4 submitters: Uncertain significance (1); Likely benign (3). Last evaluated 2026-08-04.

Conditions:
ESRRB-related disorder. Also called: ESRRB-related condition.
Autosomal recessive nonsyndromic hearing loss 35. Identifiers: Orphanet 90636, MedGen C1837857, MONDO:0012060, OMIM 608565.

Allele frequency attached by ClinVar (database versions not stated): gnomAD exomes 0.00011 and 0.00015; TOPMed 0.00018; ExAC 0.00019; 1000 Genomes Project 0.00060; 1000 Genomes Project 30x 0.00062; gnomAD 0.00007 and 0.00010.
gnomAD v4.1: 175 of 1,565,150 alleles (0.011%); highest among the groups gnomAD compares: East Asian, 0.34%; 3 homozygotes.

Submissions (4):

PreventionGenetics, part of Exact Sciences
Classification: Likely benign for ESRRB-related condition. Last evaluated: 2026-08-04. Review status: criteria provided, single submitter. Criteria: ACMG Guidelines, 2015. Collection method: clinical testing. Allele origin: germline.
Comment: This variant is classified as likely benign based on ACMG/AMP sequence variant interpretation guidelines (Richards et al. 2015 PMID: 25741868, with internal and published modifications).

Labcorp Genetics (formerly Invitae), Labcorp
Classification: Likely benign. Last evaluated: 2023-12-11. Review status: criteria provided, single submitter. Criteria: Invitae Variant Classification Sherloc (09022015). Collection method: clinical testing. Allele origin: germline.

GeneDx
Classification: Likely benign. Last evaluated: 2021-05-28. Review status: criteria provided, single submitter. Criteria: GeneDx Variant Classification Process June 2021. Collection method: clinical testing. Allele origin: germline. Affected: yes.

Illumina Laboratory Services, Illumina
Classification: Uncertain significance for Autosomal recessive nonsyndromic hearing loss 35. Last evaluated: 2017-04-27. Review status: criteria provided, single submitter. Criteria: ICSL Variant Classification Criteria 13 December 2019. Collection method: clinical testing. Allele origin: germline.

NM_001379180.1(ESRRB):c.*1556T>C

Gene: ESRRB (estrogen related receptor beta; plus strand). Cytogenetic location: 14q24.3.
Variant type: single nucleotide variant.
Coding change: c.*1556T>C on transcript NM_001379180.1 (MANE Select); 1556 bases downstream of the stop codon, T replaced by C.
Molecular consequence: 3 prime UTR variant. On other transcripts: missense variant (1).
Genome position (GRCh38, 1-based): chr14:76,500,014, T>C. VCF-style: chr14-76500014-T-C. GRCh37 (hg19) VCF-style: chr14-76966357-T-C.
Other names: c.1448T>C, p.Leu483Pro (NM_004452.4); short protein forms L483P.
Identifiers: ClinVar variation 884543 (VCV000884543.10), dbSNP rs180967093, ClinGen allele CA7281906.
Genomic context (GRCh38, chr14:76,500,014, plus strand): 5'-GCAGGGATCAGAGCAACTCCCCGGGGATCCCCAATCCACGCCCTTCTAGTCCAACCCCCC[T>C]CAATGAGAGAGGCAGGCAGATCTCACCCAGCACTAGGACACCAGGAGGCCAGGTAACTTT-3'